The following is an entry in ClinVar:

NM_000540.3(RYR1):c.10196C>T (p.Ser3399Phe)

Gene: RYR1 (ryanodine receptor 1; plus strand). Cytogenetic location: 19q13.2.
Variant type: single nucleotide variant.
Coding change: c.10196C>T on transcript NM_000540.3 (MANE Select); coding-DNA position 10196, C replaced by T.
Protein change: p.Ser3399Phe; replaces serine 3399 with phenylalanine.
Molecular consequence: missense variant.
Genome position (GRCh38, 1-based): chr19:38,519,391, C>T. VCF-style: chr19-38519391-C-T. GRCh37 (hg19) VCF-style: chr19-39010031-C-T.
Other names: c.10196C>T, p.Ser3399Phe (NM_001042723.2); short protein forms S3399F.
Identifiers: ClinVar variation 426796 (VCV000426796.3), dbSNP rs1085307803, ClinGen allele CA405696375.
Genomic context (GRCh38, chr19:38,519,391, plus strand): 5'-TGCGCCTGGAGGCCAAGGCGGAGGCCCAGGAGGGCGAGCTGCTGGTGCGGGACGAGTTCT[C>T]TGTGCTCTGCCGGGACCTCTACGCCCTGTATCCGCTGCTCATCCGCTACGTGGACAACAA-3'
Protein context (NP_000531.2, residues 3389-3409): EGELLVRDEF[Ser3399Phe]VLCRDLYALY

ClinVar aggregate classification (germline): Uncertain significance. Review status: criteria provided, multiple submitters, no conflicts (2 of 4 stars). 2 submissions from 2 submitters: Uncertain significance (2). Last evaluated 2023-06-28.

Conditions:
Malignant hyperthermia, susceptibility to, 1 (MHS1). Also called: RYR1-Related Malignant Hyperthermia Susceptibility; Malignant hyperthermia suceptibility 1; Anesthesia related hyperthermia; Malignant hyperpyrexia; Fulminating hyperpyrexia; Pharmacogenic myopathy. Identifiers: Orphanet 423, MedGen C2930980, MONDO:0007783, OMIM 145600.

Submissions (2):

All of Us Research Program, National Institutes of Health
Classification: Uncertain significance for Malignant hyperthermia, susceptibility to, 1. Last evaluated: 2023-06-28. Review status: criteria provided, single submitter. Criteria: ACMG Guidelines, 2015. Collection method: clinical testing. Allele origin: germline. Inheritance: Autosomal dominant inheritance. Observed: 1 variant allele, 1 heterozygote.
Comment: This study involves interpretation of variants in research participants for the purpose of population health screening. Participant phenotype was not available at the time of variant classification. Additional details can be found in publication PMID: 35346344, PMCID: PMC8962531

GeneDx
Classification: Uncertain significance. Last evaluated: 2017-04-04. Review status: criteria provided, single submitter. Criteria: GeneDx Variant Classification (06012015). Collection method: clinical testing. Allele origin: germline. Affected: yes.
Comment: The S3399F variant in the RYR1 gene has not been reported previously as a pathogenic variant, nor as a benign variant, to our knowledge. The S3399F variant is not observed in large population cohorts (Lek et al., 2016; 1000 Genomes Consortium et al., 2015; Exome Variant Server). The S3399F variant is a non-conservative amino acid substitution, which occurs at a position that is conserved in mammals. In silico analysis predicts this variant is probably damaging to the protein structure/function. We interpret S3399F as a variant of uncertain significance.